The following is an entry in ClinVar:

NM_004656.4(BAP1):c.38-3del

Gene: BAP1 (BRCA1 associated deubiquitinase 1; minus strand). Cytogenetic location: 3p21.1.
Variant type: Deletion.
Coding change: c.38-3del on transcript NM_004656.4 (MANE Select); 3 bases into the intron before coding-DNA position 38, one base deleted (C; older notation c.38-3delC).
Molecular consequence: intron variant.
Genome position (GRCh38, 1-based): chr3:52,409,746, G deleted on the plus strand (C on the coding strand, the reverse complement: BAP1 is on the minus strand); the first of 3 consecutive G bases (chr3:52,409,746-52,409,748); deleting any one gives the same sequence. VCF-style (leftmost placement, unchanged base first): chr3-52409745-TG-T. GRCh37 (hg19) VCF-style: chr3-52443761-TG-T.
Other names: c.38-3delC (NM_004656.2).
Identifiers: ClinVar variation 928070 (VCV000928070.9), dbSNP rs1705307792, ClinGen allele CA1139658130.

ClinVar aggregate classification (germline): Uncertain significance. Review status: criteria provided, multiple submitters, no conflicts (2 of 4 stars). 3 submissions from 3 submitters: Uncertain significance (3). Last evaluated 2024-11-19.

Conditions:
Hereditary cancer-predisposing syndrome. Also called: Neoplastic Syndromes, Hereditary; Hereditary Cancer Syndrome; Tumor predisposition; Hereditary neoplastic syndrome. Identifiers: Orphanet 140162, MedGen C0027672, MeSH D009386, MONDO:0015356.
BAP1-related tumor predisposition syndrome (TPDS1). Also called: COMMON Syndrome; TUMOR PREDISPOSITION SYNDROME 1; Tumor susceptibility linked to germline BAP1 mutations; BAP1 tumor predisposition syndrome. Identifiers: Orphanet 289539, MedGen C3280492, MONDO:0013692, OMIM 614327.

Submissions (3):

Labcorp Genetics (formerly Invitae), Labcorp
Classification: Uncertain significance for BAP1-related tumor predisposition syndrome. Last evaluated: 2024-11-19. Review status: criteria provided, single submitter. Criteria: Invitae Variant Classification Sherloc (09022015). Collection method: clinical testing. Allele origin: germline.
Comment: This sequence change falls in intron 1 of the BAP1 gene. It does not directly change the encoded amino acid sequence of the BAP1 protein. It affects a nucleotide within the consensus splice site. This variant is not present in population databases (gnomAD no frequency). This variant has not been reported in the literature in individuals affected with BAP1-related conditions. ClinVar contains an entry for this variant (Variation ID: 928070). Variants that disrupt the consensus splice site are a relatively common cause of aberrant splicing (PMID: 17576681, 9536098). Algorithms developed to predict the effect of sequence changes on RNA splicing suggest that this variant is not likely to affect RNA splicing. In summary, the available evidence is currently insufficient to determine the role of this variant in disease. Therefore, it has been classified as a Variant of Uncertain Significance.

Ambry Genetics
Classification: Uncertain significance for Hereditary cancer-predisposing syndrome. Last evaluated: 2024-01-18. Review status: criteria provided, single submitter. Criteria: Ambry Variant Classification Scheme 2023. Collection method: clinical testing. Allele origin: germline.
Comment: The c.38-3delC intronic variant, located in intron 1 of the BAP1 gene, results from a deletion of one nucleotide within intron 1 of the BAP1 gene. This nucleotide position is highly conserved in available vertebrate species. In silico splice site analysis predicts that this alteration will not have any significant effect on splicing. Based on the available evidence, the clinical significance of this alteration remains unclear.

Color Diagnostics, LLC DBA Color Health
Classification: Uncertain significance for Hereditary cancer-predisposing syndrome. Last evaluated: 2020-08-19. Review status: criteria provided, single submitter. Criteria: ACMG Guidelines, 2015. Collection method: clinical testing. Allele origin: germline.
Comment: This variant causes 1 nucleotide deletion in intron 1 of the BAP1 gene. To our knowledge, functional studies have not been performed for this variant. This variant has not been reported in individuals affected with hereditary cancer in the literature. This variant has not been identified in the general population by the Genome Aggregation Database (gnomAD). The available evidence is insufficient to determine the role of this variant in disease conclusively. Therefore, this variant is classified as a Variant of Uncertain Significance.

Literature cited by the submitters: PubMed 17576681 (cited by Labcorp Genetics (formerly Invitae), Labcorp); PubMed 9536098 (cited by Labcorp Genetics (formerly Invitae), Labcorp).